The following is an entry in ClinVar:

NM_000059.4(BRCA2):c.3106G>T (p.Glu1036Ter)

Gene: BRCA2 (BRCA2 DNA repair associated; plus strand). Cytogenetic location: 13q13.1.
Variant type: single nucleotide variant.
Coding change: c.3106G>T on transcript NM_000059.4 (MANE Select); coding-DNA position 3106, G replaced by T.
Protein change: p.Glu1036Ter; replaces glutamic acid 1036 with a stop codon.
Molecular consequence: nonsense.
Genome position (GRCh38, 1-based): chr13:32,337,461, G>T. VCF-style: chr13-32337461-G-T. GRCh37 (hg19) VCF-style: chr13-32911598-G-T.
Other names: short protein forms E1036*.
Identifiers: ClinVar variation 409521 (VCV000409521.22), dbSNP rs1060502449, ClinGen allele CA16614263.
Genomic context (GRCh38, chr13:32,337,461, plus strand): 5'-GAAATCAAGCTCTCTGAACATAACATTAAGAAGAGCAAAATGTTCTTCAAAGATATTGAA[G>T]AACAATATCCTACTAGTTTAGCTTGTGTTGAAATTGTAAATACCTTGGCATTAGATAATC-3'

ClinVar aggregate classification (germline): Pathogenic. Review status: reviewed by expert panel (3 of 4 stars). 8 submissions from 8 submitters: Pathogenic (1). 7 of the submissions do not count toward it. Last evaluated 2017-12-15.

Conditions:
Hereditary cancer-predisposing syndrome. Also called: Hereditary neoplastic syndrome; Neoplastic Syndromes, Hereditary; Tumor predisposition; Hereditary Cancer Syndrome. Identifiers: Orphanet 140162, MedGen C0027672, MeSH D009386, MONDO:0015356.
Hereditary breast ovarian cancer syndrome. Also called: Hereditary breast and ovarian cancer syndrome; Hereditary breast and/or ovarian cancer syndrome; BRCA1- and BRCA2-Associated Hereditary Breast and Ovarian Cancer; Hereditary breast and ovarian cancer syndrome (HBOC); Hereditary breast and ovarian cancer; Breast and ovarian cancer. Identifiers: Orphanet 145, MedGen C0677776, MeSH D061325, MONDO:0003582. Disease mechanism: loss of function.
Familial cancer of breast. Also called: Hereditary breast cancer; hereditary breast carcinoma; BREAST CANCER, FAMILIAL. Identifiers: Orphanet 227535, MedGen C0346153, MONDO:0016419, OMIM 114480. Disease mechanism: loss of function.
Familial colorectal cancer type X. Identifiers: Orphanet 440437, MedGen C3896578, MONDO:0018604.
Breast-ovarian cancer, familial, susceptibility to, 2 (BROVCA2). Also called: BRCA2 Hereditary Breast and Ovarian Cancer. Identifiers: Orphanet 145, MedGen C2675520, MONDO:0012933, OMIM 612555. Disease mechanism: loss of function.

gnomAD v4.1: 1 of 1,612,210 alleles (0.000062%); highest among the groups gnomAD compares: South Asian, 0.0011%; no homozygotes.

Submissions (8):

Evidence-based Network for the Interpretation of Germline Mutant Alleles (ENIGMA)
Classification: Pathogenic for Breast-ovarian cancer, familial, susceptibility to, 2. Last evaluated: 2017-12-15. Review status: reviewed by expert panel. Criteria: ENIGMA BRCA1/2 Classification Criteria (2017-06-29). Collection method: curation. Allele origin: germline. Study: ENIGMA.
Comment: Variant allele predicted to encode a truncated non-functional protein.

Color Diagnostics, LLC DBA Color Health
Classification: Pathogenic for Hereditary cancer-predisposing syndrome. Last evaluated: 2025-07-07. Review status: criteria provided, single submitter. Criteria: ACMG Guidelines, 2015. Collection method: clinical testing. Allele origin: germline. Not counted in ClinVar's aggregate classification.
Comment: This variant changes 1 nucleotide in exon 11 of the BRCA2 gene, creating a premature translation stop signal. This variant is expected to result in an absent or non-functional protein product. This variant has been detected in a breast cancer case-control meta-analysis in 1/60466 cases and 0/53461 unaffected individuals (PMID: 33471991Leiden Open Variation Database DB-ID BRCA2_003186). This variant has not been identified in the general population by the Genome Aggregation Database (gnomAD). Loss of BRCA2 function is a known mechanism of disease. Based on the available evidence, this variant is classified as Pathogenic.

Labcorp Genetics (formerly Invitae), Labcorp
Classification: Pathogenic for Hereditary breast ovarian cancer syndrome. Last evaluated: 2025-06-22. Review status: criteria provided, single submitter. Criteria: Invitae Variant Classification Sherloc (09022015). Collection method: clinical testing. Allele origin: germline. Not counted in ClinVar's aggregate classification.
Comment: This sequence change creates a premature translational stop signal (p.Glu1036*) in the BRCA2 gene. It is expected to result in an absent or disrupted protein product. Loss-of-function variants in BRCA2 are known to be pathogenic (PMID: 20104584). This variant is not present in population databases (gnomAD no frequency). This variant has not been reported in the literature in individuals affected with BRCA2-related conditions. ClinVar contains an entry for this variant (Variation ID: 409521). For these reasons, this variant has been classified as Pathogenic.

ARUP Laboratories, Molecular Genetics and Genomics, ARUP Laboratories
Classification: Pathogenic. Last evaluated: 2023-12-18. Review status: criteria provided, single submitter. Criteria: ARUP Molecular Germline Variant Investigation Process 2024. Collection method: clinical testing. Allele origin: germline. Not counted in ClinVar's aggregate classification.
Comment: The BRCA2 c.3106G>T; p.Glu1036Ter variant (rs1060502449), to our knowledge, is not reported in the medical literature but is reported in ClinVar (Variation ID: 409521). This variant is absent from the Genome Aggregation Database (v2.1.1), indicating it is not a common polymorphism. This variant induces an early termination codon and is predicted to result in a truncated protein or mRNA subject to nonsense-mediated decay. Based on available information, this variant is considered to be pathogenic.

Baylor Genetics
Classification: Pathogenic for Familial cancer of breast. Last evaluated: 2023-09-11. Review status: criteria provided, single submitter. Criteria: ACMG Guidelines, 2015. Collection method: clinical testing. Allele origin: unknown. Not counted in ClinVar's aggregate classification.

KCCC/NGS Laboratory, Kuwait Cancer Control Center
Classification: Pathogenic for Breast-ovarian cancer, familial, susceptibility to, 2. Last evaluated: 2023-06-06. Review status: criteria provided, single submitter. Criteria: ACMG Guidelines, 2015. Collection method: clinical testing. Allele origin: germline. Affected: yes. Not counted in ClinVar's aggregate classification.
Comment: A known pathogenic mutation was detected in the BRCA2 gene (c.3106G>T). This sequence change creates a premature translational stop signal (p.Glu1036*) in the BRCA2 gene. It is expected to result in an absent or disrupted protein product. This variant is not present in population databases (gnomAD genomes). This variant has not been reported in the literature in individuals with BRCA2-related conditions. In-silico predictions show pathogenic computational verdict based on 5 pathogenic predictions from BayesDel_addAF, DANN, EIGEN, FATHMM-MKL and MutationTaster vs no benign predictions.ClinVar contains an entry for this variant (Variation ID: 409521) with 3 submissions, all of which describe it as pathogenic, 3 stars, no conflict, and reviewed by an expert panel. Loss-of-function variants in BRCA2 are known to be pathogenic (PMID: 20104584). Therefore, this variant has been classified as Pathogenic.

Ambry Genetics
Classification: Pathogenic for Hereditary cancer-predisposing syndrome. Last evaluated: 2023-01-11. Review status: criteria provided, single submitter. Criteria: Ambry Variant Classification Scheme 2023. Collection method: clinical testing. Allele origin: germline. Not counted in ClinVar's aggregate classification.
Comment: The p.E1036* pathogenic mutation (also known as c.3106G>T), located in coding exon 10 of the BRCA2 gene, results from a G to T substitution at nucleotide position 3106. This changes the amino acid from a glutamic acid to a stop codon within coding exon 10. This variant is considered to be rare based on population cohorts in the Genome Aggregation Database (gnomAD). This alteration is expected to result in loss of function by premature protein truncation or nonsense-mediated mRNA decay. As such, this alteration is interpreted as a disease-causing mutation.

Department of Pathology and Laboratory Medicine, Sinai Health System
Classification: Pathogenic for Familial colorectal cancer type X. Last evaluated: 2019-11-25. Review status: criteria provided, single submitter. Criteria: ACMG Guidelines, 2015. Collection method: clinical testing. Allele origin: germline. Affected: yes. Not counted in ClinVar's aggregate classification.

Literature cited by the submitters: PubMed 33471991 (cited by Color Diagnostics, LLC DBA Color Health); PubMed 20104584 (cited by Labcorp Genetics (formerly Invitae), Labcorp).